The following is an entry in ClinVar:

ClinVar aggregate classification (germline): Benign/Likely benign. Review status: criteria provided, multiple submitters, no conflicts (2 of 4 stars). 3 submissions from 3 submitters: Benign (1); Likely benign (2). Last evaluated 2026-01-25.

Conditions:
Hereditary cancer-predisposing syndrome. Also called: Hereditary neoplastic syndrome; Hereditary Cancer Syndrome; Neoplastic Syndromes, Hereditary; Tumor predisposition. Identifiers: Orphanet 140162, MedGen C0027672, MeSH D009386, MONDO:0015356.
Familial cancer of breast. Also called: hereditary breast carcinoma; Hereditary breast cancer; BREAST CANCER, FAMILIAL. Identifiers: Orphanet 227535, MedGen C0346153, MONDO:0016419, OMIM 114480. Disease mechanism: loss of function.
Fanconi anemia complementation group J. Also called: BRIP1-Related Fanconi Anemia. Identifiers: Orphanet 84, MedGen C1836860, MONDO:0012187, OMIM 609054.

Allele frequency attached by ClinVar (database versions not stated): gnomAD exomes below 0.00001.
gnomAD v4.1: 1 of 1,613,274 alleles (0.000062%); highest among the groups gnomAD compares: Non-Finnish European, 0.000085%; no homozygotes.

Submissions (3):

Labcorp Genetics (formerly Invitae), Labcorp
Classification: Likely benign for Familial cancer of breast; Fanconi anemia complementation group J. Last evaluated: 2026-01-25. Review status: criteria provided, single submitter. Criteria: Invitae Variant Classification Sherloc (09022015). Collection method: clinical testing. Allele origin: germline.

Myriad Genetics, Inc.
Classification: Benign for Familial cancer of breast. Last evaluated: 2024-08-28. Review status: criteria provided, single submitter. Criteria: Myriad Autosomal Dominant, Autosomal Recessive and X-Linked Classification Criteria (2023). Collection method: clinical testing. Allele origin: unknown.
Comment: This variant is considered benign. This variant is a silent/synonymous amino acid change and it is not expected to impact splicing.

Ambry Genetics
Classification: Likely benign for Hereditary cancer-predisposing syndrome. Last evaluated: 2021-05-04. Review status: criteria provided, single submitter. Criteria: Ambry Variant Classification Scheme 2023. Collection method: clinical testing. Allele origin: germline.

NM_032043.3(BRIP1):c.1512C>A (p.Ile504=)

Gene: BRIP1 (BRCA1 interacting DNA helicase 1; minus strand). Cytogenetic location: 17q23.2.
Variant type: single nucleotide variant.
Coding change: c.1512C>A on transcript NM_032043.3 (MANE Select); coding-DNA position 1512, C replaced by A.
Protein change: p.Ile504=; no amino-acid change (isoleucine 504 retained).
Molecular consequence: synonymous variant.
Genome position (GRCh38, 1-based): chr17:61,784,386, G>T on the plus strand (C>A on the coding strand, the complement: BRIP1 is on the minus strand). VCF-style: chr17-61784386-G-T. GRCh37 (hg19) VCF-style: chr17-59861747-G-T.
Identifiers: ClinVar variation 1607764 (VCV001607764.12), dbSNP rs876660478, ClinGen allele CA501150776.